The following is an entry in ClinVar:

ClinVar aggregate classification (germline): Uncertain significance. Review status: criteria provided, single submitter (1 of 4 stars). 3 submissions from 3 submitters: Uncertain significance (1). 2 of the submissions do not count toward it. Last evaluated 2022-03-10.

Conditions:
Cohen syndrome (COH1). Also called: PEPPER SYNDROME; Cutis verticis gyrata, retinitis pigmentosa, and sensorineural deafness. Identifiers: Orphanet 193, MedGen C0265223, MONDO:0008999, OMIM 216550.
VPS13B-related disorder. Also called: VPS13B-related condition.

Allele frequency attached by ClinVar (database versions not stated): gnomAD 0.00001; ESP Exome Variant Server 0.00008; gnomAD exomes below 0.00001; ExAC 0.00001.
gnomAD v4.1: 2 of 1,613,928 alleles (0.00012%); highest among the groups gnomAD compares: African/African-American, 0.0027%; no homozygotes.

Submissions (3):

Labcorp Genetics (formerly Invitae), Labcorp
Classification: Uncertain significance for Cohen syndrome. Last evaluated: 2022-03-10. Review status: criteria provided, single submitter. Criteria: Invitae Variant Classification Sherloc (09022015). Collection method: clinical testing. Allele origin: germline.
Comment: This sequence change replaces threonine, which is neutral and polar, with asparagine, which is neutral and polar, at codon 3246 of the VPS13B protein (p.Thr3246Asn). This variant is present in population databases (rs143852398, gnomAD 0.007%). This variant has not been reported in the literature in individuals affected with VPS13B-related conditions. ClinVar contains an entry for this variant (Variation ID: 1015669). Algorithms developed to predict the effect of missense changes on protein structure and function are either unavailable or do not agree on the potential impact of this missense change (SIFT: "Not Available"; PolyPhen-2: "Benign"; Align-GVGD: "Not Available"). In summary, the available evidence is currently insufficient to determine the role of this variant in disease. Therefore, it has been classified as a Variant of Uncertain Significance.

PreventionGenetics, part of Exact Sciences
Classification: Uncertain significance for VPS13B-related condition. Last evaluated: 2024-04-22. Review status: no assertion criteria provided. Collection method: clinical testing. Allele origin: germline. Not counted in ClinVar's aggregate classification.
Comment: The VPS13B c.9662C>A variant is predicted to result in the amino acid substitution p.Thr3221Asn. To our knowledge, this variant has not been reported in the literature. This variant is reported in 0.0062% of alleles in individuals of African descent in gnomAD. At this time, the clinical significance of this variant is uncertain due to the absence of conclusive functional and genetic evidence.

Natera, Inc.
Classification: Uncertain significance for Cohen syndrome. Last evaluated: 2020-09-21. Review status: no assertion criteria provided. Collection method: clinical testing. Allele origin: germline. Not counted in ClinVar's aggregate classification.

NM_152564.5(VPS13B):c.9662C>A (p.Thr3221Asn)

Gene: VPS13B (vacuolar protein sorting 13 homolog B; plus strand). Cytogenetic location: 8q22.2.
Variant type: single nucleotide variant.
Coding change: c.9662C>A on transcript NM_152564.5 (MANE Select); coding-DNA position 9662, C replaced by A.
Protein change: p.Thr3221Asn; replaces threonine 3221 with asparagine.
Molecular consequence: missense variant.
Genome position (GRCh38, 1-based): chr8:99,835,244, C>A. VCF-style: chr8-99835244-C-A. GRCh37 (hg19) VCF-style: chr8-100847472-C-A.
Other names: c.9662C>A (NM_152564.4); c.9737C>A, p.Thr3246Asn (NM_017890.5); short protein forms T3221N, T3246N.
Identifiers: ClinVar variation 1015669 (VCV001015669.10), dbSNP rs143852398, ClinGen allele CA4824762.
Genomic context (GRCh38, chr8:99,835,244, plus strand): 5'-GATTCTCTTCCAGGGCTATAGTGCTGACATATCAAGAACACCTCGGAGTGACTTATTTAA[C>A]CCTCTCAGAAGACCCTAGTCCTCGAGTAATTATCCACAATAGATGTCCAGTAAAAATGCT-3'
Protein context (NP_689777.3, residues 3211-3231): YQEHLGVTYL[Thr3221Asn]LSEDPSPRVI